The following is an entry in ClinVar:

NM_001164508.2(NEB):c.21268C>G (p.Pro7090Ala)

Gene: NEB (nebulin; minus strand). Cytogenetic location: 2q23.3.
Variant type: single nucleotide variant.
Coding change: c.21268C>G on transcript NM_001164508.2 (MANE Select); coding-DNA position 21268, C replaced by G.
Protein change: p.Pro7090Ala; replaces proline 7090 with alanine.
Molecular consequence: missense variant.
Genome position (GRCh38, 1-based): chr2:151,535,735, G>C on the plus strand (C>G on the coding strand, the complement: NEB is on the minus strand). VCF-style: chr2-151535735-G-C. GRCh37 (hg19) VCF-style: chr2-152392249-G-C.
Other names: c.21268C>G, p.Pro7090Ala (NM_001164507.2, NM_001271208.2); c.16165C>G, p.Pro5389Ala (NM_004543.5); short protein forms P7090A, P5389A.
Identifiers: ClinVar variation 657825 (VCV000657825.15), dbSNP rs371704528, ClinGen allele CA1907037.

ClinVar aggregate classification (germline): Conflicting classifications of pathogenicity. Review status: criteria provided, conflicting classifications (1 of 4 stars). 5 submissions from 5 submitters: Uncertain significance (3); Likely benign (1). 1 of the submissions does not count toward it. Last evaluated 2026-01-28.

Conditions:
Nemaline myopathy 2 (NEM2). Also called: Nemaline myopathy 2, autosomal recessive. Identifiers: MedGen C1850569, MONDO:0009725, OMIM 256030.

Allele frequency attached by ClinVar (database versions not stated): ExAC 0.00002; gnomAD exomes 0.00002 and 0.00008; gnomAD 0.00005 and 0.00006; ESP Exome Variant Server 0.00008; TOPMed 0.00014.
gnomAD v4.1: 129 of 1,609,518 alleles (0.008%); highest among the groups gnomAD compares: Middle Eastern, 0.033%; no homozygotes.

Submissions (5):

Labcorp Genetics (formerly Invitae), Labcorp
Classification: Likely benign for Nemaline myopathy 2. Last evaluated: 2026-01-28. Review status: criteria provided, single submitter. Criteria: Invitae Variant Classification Sherloc (09022015). Collection method: clinical testing. Allele origin: germline.

Myriad Genetics, Inc.
Classification: Uncertain significance for Nemaline myopathy 2. Last evaluated: 2025-09-11. Review status: criteria provided, single submitter. Criteria: Myriad Autosomal Dominant, Autosomal Recessive and X-Linked Classification Criteria (2023). Collection method: clinical testing. Allele origin: unknown.
Comment: NM_001271208.1(NEB):c.21268C>G(P7090A) is a missense variant classified as a variant of uncertain significance in the context of NEB-related nemaline myopathy. P7090A has been observed in a case with relevant disease (PMID: 15336686). Relevant functional assessments of this variant are not available in the literature. P7090A has been observed in referenced population frequency databases. In summary, there is insufficient evidence to classify NM_001271208.1(NEB):c.21268C>G(P7090A) as pathogenic or benign. Please note: this variant was assessed in the context of healthy population screening.

Revvity Omics, Revvity
Classification: Uncertain significance. Last evaluated: 2019-04-09. Review status: criteria provided, single submitter. Criteria: ACMG Guidelines, 2015. Collection method: clinical testing. Allele origin: germline.

Illumina Laboratory Services, Illumina
Classification: Uncertain significance for Nemaline myopathy 2. Last evaluated: 2017-04-27. Review status: criteria provided, single submitter. Criteria: ICSL Variant Classification Criteria 13 December 2019. Collection method: clinical testing. Allele origin: germline.
Comment: This variant was observed as part of a predisposition screen in an ostensibly healthy population. A literature search was performed for the gene, cDNA change, and amino acid change (where applicable). Publications were found based on this search. However, the evidence from the literature, in combination with allele frequency data from public databases where available, was not sufficient to rule this variant in or out of causing disease. Therefore, this variant is classified as a variant of unknown significance.

Natera, Inc.
Classification: Uncertain significance for Nemaline myopathy type 2. Last evaluated: 2020-09-16. Review status: no assertion criteria provided. Collection method: clinical testing. Allele origin: germline. Not counted in ClinVar's aggregate classification.

Literature cited by the submitters: PubMed 15336686 (cited by Myriad Genetics, Inc. and Illumina Laboratory Services, Illumina).